The following is an entry in ClinVar:

NM_015374.3(SUN2):c.874G>A (p.Ala292Thr)

Genes: GTPBP1 (GTP binding protein 1; plus strand), SUN2 (Sad1 and UNC84 domain containing 2; minus strand). Cytogenetic location: 22q13.1.
Variant type: single nucleotide variant.
Coding change: c.874G>A on transcript NM_015374.3 (MANE Select); coding-DNA position 874, G replaced by A.
Protein change: p.Ala292Thr; replaces alanine 292 with threonine.
Molecular consequence: missense variant. On other transcripts: intron variant (3).
Genome position (GRCh38, 1-based): chr22:38,742,495, C>T on the plus strand (G>A on the coding strand, the complement: SUN2 is on the minus strand). VCF-style: chr22-38742495-C-T. GRCh37 (hg19) VCF-style: chr22-39138500-C-T.
Other names: c.937G>A, p.Ala313Thr (NM_001199579.2, NM_001394428.1); c.874G>A, p.Ala292Thr (NM_001199580.2, NM_001394431.1, NM_001394432.1 and 5 more transcripts); c.967G>A, p.Ala323Thr (NM_001394427.1); c.919G>A, p.Ala307Thr (NM_001394429.1, NM_001394430.1); c.784G>A, p.Ala262Thr (NM_001394438.1); c.736G>A, p.Ala246Thr (NM_001394439.1, NM_001394440.1, NM_001394441.1); c.382G>A, p.Ala128Thr (NM_001394443.1); c.615-2063G>A (NM_001394444.1, NM_001394445.1); and 1 more; short protein forms A128T, A246T, A262T, A323T, A313T, A292T, A307T.
Identifiers: ClinVar variation 1360062 (VCV001360062.8), dbSNP rs2145981465, ClinGen allele CA411585538.

ClinVar aggregate classification (germline): Uncertain significance (1 of 4 stars; one submission).

Conditions:
Emery-Dreifuss muscular dystrophy (EDMD). Also called: Scapuloperoneal syndrome, X-linked (formerly); Humeroperoneal neuromuscular disease, (formerly). Identifiers: Orphanet 261, MedGen C0410189, MONDO:0016830.

Submission:

Labcorp Genetics (formerly Invitae), Labcorp
Classification: Uncertain significance for Emery-Dreifuss muscular dystrophy. Last evaluated: 2021-08-01. Review status: criteria provided, single submitter. Criteria: Invitae Variant Classification Sherloc (09022015). Collection method: clinical testing. Allele origin: germline.
Comment: In summary, the available evidence is currently insufficient to determine the role of this variant in disease. Therefore, it has been classified as a Variant of Uncertain Significance. Algorithms developed to predict the effect of missense changes on protein structure and function (SIFT, PolyPhen-2, Align-GVGD) all suggest that this variant is likely to be tolerated, but these predictions have not been confirmed by published functional studies and their clinical significance is uncertain. This variant has not been reported in the literature in individuals with SUN2-related conditions. This variant is not present in population databases (ExAC no frequency). This sequence change replaces alanine with threonine at codon 292 of the SUN2 protein (p.Ala292Thr). The alanine residue is moderately conserved and there is a small physicochemical difference between alanine and threonine.